The following is an entry in ClinVar:

ClinVar aggregate classification (germline): Benign (0 of 4 stars; one submission).

Conditions:
PIWIL1-related disorder. Also called: PIWIL1-related condition.

Allele frequency attached by ClinVar (database versions not stated): gnomAD exomes 0.00038; ExAC 0.00098; gnomAD 0.00258; TOPMed 0.00291; ESP Exome Variant Server 0.00308; 1000 Genomes Project 30x 0.00359; 1000 Genomes Project 0.00379.
gnomAD v4.1: 1,007 of 1,613,696 alleles (0.062%); highest among the groups gnomAD compares: African/African-American, 0.84%; 4 homozygotes.

Submission:

PreventionGenetics, part of Exact Sciences
Classification: Benign for PIWIL1-related condition. Last evaluated: 2019-12-31. Review status: no assertion criteria provided. Collection method: clinical testing. Allele origin: germline.
Comment: This variant is classified as benign based on ACMG/AMP sequence variant interpretation guidelines (Richards et al. 2015 PMID: 25741868, with internal and published modifications).

NM_004764.5(PIWIL1):c.18A>G (p.Arg6=)

Gene: PIWIL1 (piwi like RNA-mediated gene silencing 1; plus strand). Cytogenetic location: 12q24.33.
Variant type: single nucleotide variant.
Coding change: c.18A>G on transcript NM_004764.5 (MANE Select); coding-DNA position 18, A replaced by G.
Protein change: p.Arg6=; no amino-acid change (arginine 6 retained).
Molecular consequence: synonymous variant.
Genome position (GRCh38, 1-based): chr12:130,342,609, A>G. VCF-style: chr12-130342609-A-G. GRCh37 (hg19) VCF-style: chr12-130827154-A-G.
Other names: c.18A>G, p.Arg6= (NM_001190971.2).
Identifiers: ClinVar variation 3049632 (VCV003049632.2), dbSNP rs142397870, ClinGen allele CA6876846.
Genomic context (GRCh38, chr12:130,342,609, plus strand): 5'-AGTATTGTCTTCAAGATTGTTTCCTCTCCAGAAATAGAAAACAATGACTGGGAGAGCCCG[A>G]GCCAGAGCCAGAGGAAGGGCCCGCGGTCAGGAGACAGCGCAGCTGGTGGGCTCCACTGCC-3'
Protein context (NP_004755.2, residues 1-16): MTGRA[Arg6=]ARARGRARGQ